The following is an entry in ClinVar:

ClinVar aggregate classification (germline): Uncertain significance. Review status: criteria provided, multiple submitters, no conflicts (2 of 4 stars). 3 submissions from 3 submitters: Uncertain significance (2). 1 of the submissions does not count toward it. Last evaluated 2021-08-30.

Conditions:
Glycogen storage disease type III (GSD3). Also called: FORBES DISEASE; Cori disease. Identifiers: Orphanet 366, MedGen C0017922, MONDO:0009291, OMIM 232400.

Submissions (3):

Labcorp Genetics (formerly Invitae), Labcorp
Classification: Uncertain significance for Glycogen storage disease type III. Last evaluated: 2021-08-30. Review status: criteria provided, single submitter. Criteria: Invitae Variant Classification Sherloc (09022015). Collection method: clinical testing. Allele origin: germline.
Comment: This variant, c.309_311del, results in the deletion of 1 amino acid(s) of the AGL protein (p.Gly105del), but otherwise preserves the integrity of the reading frame. This variant is present in population databases (rs775865279, ExAC 0.06%). This variant has not been reported in the literature in individuals affected with AGL-related conditions. Experimental studies and prediction algorithms are not available or were not evaluated, and the functional significance of this variant is currently unknown. In summary, the available evidence is currently insufficient to determine the role of this variant in disease. Therefore, it has been classified as a Variant of Uncertain Significance.

Breakthrough Genomics
Classification: Uncertain significance. Review status: criteria provided, single submitter. Criteria: ACMG Guidelines, 2015. Collection method: not provided. Allele origin: germline. Inheritance: Autosomal recessive inheritance. Affected: yes.

Natera, Inc.
Classification: Uncertain significance for Glycogen storage disease type III. Last evaluated: 2020-06-09. Review status: no assertion criteria provided. Collection method: clinical testing. Allele origin: germline. Not counted in ClinVar's aggregate classification.

NM_000642.3(AGL):c.306TGG[1] (p.Gly105del)

Gene: AGL (amylo-alpha-1,6-glucosidase and 4-alpha-glucanotransferase; plus strand). Cytogenetic location: 1p21.2.
Variant type: Microsatellite.
Coding change: c.306TGG[1] on transcript NM_000642.3 (MANE Select); one copy of the 3-base unit TGG starting at c.306; the reference has two copies in a row; one copy, 3 bases deleted; also written c.309_311del.
Protein change: p.Gly105del; deletes glycine 105.
Molecular consequence: inframe deletion. On other transcripts: inframe indel (9).
Genome position (GRCh38, 1-based): chr1:99,862,272-99,862,274, TGG deleted; deleting any 3 consecutive bases within chr1:99,862,268-99,862,274 gives the same sequence; the position shown is the placement nearest the transcript's 3' end. VCF-style (leftmost placement, unchanged base first): chr1-99862267-AGTG-A. GRCh37 (hg19) VCF-style: chr1-100327823-AGTG-A.
Other names: c.306_308TGG[1], p.Gly105del (NM_000028.3, NM_000643.3, NM_001425329.1 and 5 more transcripts); c.309_311del (NM_000642.3); c.258_260TGG[1], p.Gly89del (NM_000646.3); short protein forms G89del, G105del.
Identifiers: ClinVar variation 971537 (VCV000971537.8), dbSNP rs775865279, ClinGen allele CA966131.